The following is an entry in ClinVar:

ClinVar aggregate classification (germline): Uncertain significance (1 of 4 stars; one submission).

Submission:

Labcorp Genetics (formerly Invitae), Labcorp
Classification: Uncertain significance. Last evaluated: 2024-12-11. Review status: criteria provided, single submitter. Criteria: Invitae Variant Classification Sherloc (09022015). Collection method: clinical testing. Allele origin: germline.
Comment: This sequence change replaces tyrosine, which is neutral and polar, with cysteine, which is neutral and slightly polar, at codon 986 of the NRIP1 protein (p.Tyr986Cys). This variant is not present in population databases (gnomAD no frequency). This variant has not been reported in the literature in individuals affected with NRIP1-related conditions. ClinVar contains an entry for this variant (Variation ID: 1999445). An algorithm developed to predict the effect of missense changes on protein structure and function outputs the following: PolyPhen-2: "Benign". The cysteine amino acid residue is found in multiple mammalian species, which suggests that this missense change does not adversely affect protein function. In summary, the available evidence is currently insufficient to determine the role of this variant in disease. Therefore, it has been classified as a Variant of Uncertain Significance.

NM_003489.4(NRIP1):c.2957A>G (p.Tyr986Cys)

Gene: NRIP1 (nuclear receptor interacting protein 1; minus strand). Cytogenetic location: 21q11.2.
Variant type: single nucleotide variant.
Coding change: c.2957A>G on transcript NM_003489.4 (MANE Select); coding-DNA position 2957, A replaced by G.
Protein change: p.Tyr986Cys; replaces tyrosine 986 with cysteine.
Molecular consequence: missense variant.
Genome position (GRCh38, 1-based): chr21:14,965,236, T>C on the plus strand (A>G on the coding strand, the complement: NRIP1 is on the minus strand). VCF-style: chr21-14965236-T-C. GRCh37 (hg19) VCF-style: chr21-16337557-T-C.
Other names: short protein forms Y986C.
Identifiers: ClinVar variation 1999445 (VCV001999445.4), dbSNP rs2516240634, ClinGen allele CA409826737.